The following is an entry in ClinVar:

ClinVar aggregate classification (germline): Uncertain significance (1 of 4 stars; one submission).

Submission:

GeneDx
Classification: Uncertain significance. Last evaluated: 2025-06-05. Review status: criteria provided, single submitter. Criteria: GeneDx Variant Classification Process June 2021. Collection method: clinical testing. Allele origin: germline. Affected: yes.
Comment: Not observed at significant frequency in large population cohorts (gnomAD); In silico analysis suggests that this missense variant does not alter protein structure/function; Has not been previously published as pathogenic or benign to our knowledge

NM_006852.6(TLK2):c.577C>T (p.His193Tyr)

Gene: TLK2 (tousled like kinase 2; plus strand). Cytogenetic location: 17q23.2.
Variant type: single nucleotide variant.
Coding change: c.577C>T on transcript NM_006852.6 (MANE Select); coding-DNA position 577, C replaced by T.
Protein change: p.His193Tyr; replaces histidine 193 with tyrosine.
Molecular consequence: missense variant. On other transcripts: intron variant (2).
Genome position (GRCh38, 1-based): chr17:62,552,347, C>T. VCF-style: chr17-62552347-C-T. GRCh37 (hg19) VCF-style: chr17-60629708-C-T.
Other names: c.577C>T, p.His193Tyr (NM_001375271.1, NM_001284333.3, NM_001375270.1); c.481C>T, p.His161Tyr (NM_001375272.1, NM_001438203.1, NM_001438204.1 and 1 more transcripts); c.130C>T, p.His44Tyr (NM_001375273.1, NM_001330418.3); c.436-7669C>T (NM_001411074.1); c.532-7669C>T (NM_001438205.1); c.619C>T, p.His207Tyr (NM_001375269.1); short protein forms H161Y, H193Y, H207Y, H44Y.
Identifiers: ClinVar variation 4537975 (VCV004537975.1).